The following is an entry in ClinVar:

NM_001846.4(COL4A2):c.2425G>A (p.Gly809Arg)

Gene: COL4A2 (collagen type IV alpha 2 chain; plus strand). Cytogenetic location: 13q34.
Variant type: single nucleotide variant.
Coding change: c.2425G>A on transcript NM_001846.4 (MANE Select); coding-DNA position 2425, G replaced by A.
Protein change: p.Gly809Arg; replaces glycine 809 with arginine.
Molecular consequence: missense variant.
Genome position (GRCh38, 1-based): chr13:110,473,150, G>A. VCF-style: chr13-110473150-G-A. GRCh37 (hg19) VCF-style: chr13-111125497-G-A.
Other names: short protein forms G809R.
Identifiers: ClinVar variation 3345975 (VCV003345975.2).

ClinVar aggregate classification (germline): Uncertain significance (1 of 4 stars; one submission).

Conditions:
COL4A2-related disorder. Also called: COL4A2-related disorders; COL4A2-related condition.

Submission:

PreventionGenetics, part of Exact Sciences
Classification: Uncertain significance for COL4A2-related condition. Last evaluated: 2025-08-15. Review status: criteria provided, single submitter. Criteria: ACMG Guidelines, 2015. Collection method: clinical testing. Allele origin: germline.
Comment: The COL4A2 c.2425G>A variant is predicted to result in the amino acid substitution p.Gly809Arg. To our knowledge, this variant has not been reported in the literature or in a large population database (gnomAD), indicating this variant is rare. This variant results in a glycine substitution in the collagen triple helical region of the COL4A2 protein and such a substitution is frequently pathogenic (Fidler et al. 2018. PubMed ID: 29632050). Although we suspect that this variant may be pathogenic, at this time, the clinical significance of this variant is uncertain due to the absence of conclusive functional and genetic evidence.